The following is an entry in ClinVar:

NM_001136018.4(EPHX1):c.772T>G (p.Ser258Ala)

Gene: EPHX1 (epoxide hydrolase 1; plus strand). Cytogenetic location: 1q42.12.
Variant type: single nucleotide variant.
Coding change: c.772T>G on transcript NM_001136018.4 (MANE Select); coding-DNA position 772, T replaced by G.
Protein change: p.Ser258Ala; replaces serine 258 with alanine.
Molecular consequence: missense variant. On other transcripts: non-coding transcript variant (1), intron variant (1).
Genome position (GRCh38, 1-based): chr1:225,839,878, T>G. VCF-style: chr1-225839878-T-G. GRCh37 (hg19) VCF-style: chr1-226027579-T-G.
Other names: c.772T>G, p.Ser258Ala (NM_000120.4, NM_001291163.2, NM_001378426.1 and 3 more transcripts); c.745T>G, p.Ser249Ala (NM_001378428.1); c.544T>G, p.Ser182Ala (NM_001378431.1); c.365-2488T>G (NM_001378432.1); short protein forms S258A, S249A, S182A.
Identifiers: ClinVar variation 3276008 (VCV003276008.2).

ClinVar aggregate classification (germline): Uncertain significance. Review status: criteria provided, multiple submitters, no conflicts (2 of 4 stars). 2 submissions from 2 submitters: Uncertain significance (2). Last evaluated 2026-04-30.

Conditions:
EPHX1-related disorder. Also called: EPHX1-related condition.

gnomAD v4.1: 6 of 1,614,104 alleles (0.00037%); highest among the groups gnomAD compares: African/African-American, 0.0067%; no homozygotes.

Submissions (2):

PreventionGenetics, part of Exact Sciences
Classification: Uncertain significance for EPHX1-related condition. Last evaluated: 2026-04-30. Review status: criteria provided, single submitter. Criteria: ACMG Guidelines, 2015. Collection method: clinical testing. Allele origin: germline.
Comment: The EPHX1 c.772T>G variant is predicted to result in the amino acid substitution p.Ser258Ala. To our knowledge, this variant has not been reported in the literature. This variant is reported in 0.016% of alleles in individuals of African descent in gnomAD. At this time, the clinical significance of this variant is uncertain due to the absence of conclusive functional and genetic evidence.

Ambry Genetics
Classification: Uncertain significance. Last evaluated: 2024-04-15. Review status: criteria provided, single submitter. Criteria: Ambry Variant Classification Scheme 2023. Collection method: clinical testing. Allele origin: germline.